The following is an entry in ClinVar:

ClinVar aggregate classification (germline): Uncertain significance (1 of 4 stars; one submission).

Submission:

GeneDx
Classification: Uncertain significance. Last evaluated: 2026-02-23. Review status: criteria provided, single submitter. Criteria: GeneDx Variant Classification Process June 2021. Collection method: clinical testing. Allele origin: germline.
Comment: Not observed at significant frequency in large population cohorts (gnomAD); In silico analysis supports that this missense variant has a deleterious effect on protein structure/function; Has not been previously published as pathogenic or benign to our knowledge

NM_002430.3(MN1):c.2615G>C (p.Gly872Ala)

Gene: MN1 (MN1 proto-oncogene, transcriptional regulator; minus strand). Cytogenetic location: 22q12.1.
Variant type: single nucleotide variant.
Coding change: c.2615G>C on transcript NM_002430.3 (MANE Select); coding-DNA position 2615, G replaced by C.
Protein change: p.Gly872Ala; replaces glycine 872 with alanine.
Molecular consequence: missense variant.
Genome position (GRCh38, 1-based): chr22:27,797,929, C>G on the plus strand (G>C on the coding strand, the complement: MN1 is on the minus strand). VCF-style: chr22-27797929-C-G. GRCh37 (hg19) VCF-style: chr22-28193917-C-G.
Other names: short protein forms G872A.
Identifiers: ClinVar variation 5010040 (VCV005010040.1).